The following is an entry in ClinVar:

ClinVar aggregate classification (germline): Uncertain significance (1 of 4 stars; one submission).

Conditions:
X-linked lymphoproliferative disease due to XIAP deficiency. Also called: XIAP-Related Lymphoproliferative Disease, X-Linked; XIAP DEFICIENCY. Identifiers: Orphanet 2442, Orphanet 538934, MedGen C1845076, MONDO:0010385, OMIM 300635.

Allele frequency attached by ClinVar (database versions not stated): gnomAD exomes below 0.00001; ExAC 0.00001.
gnomAD v4.1: 2 of 1,211,624 alleles (0.00017%); highest among the groups gnomAD compares: Admixed American, 0.0044%; no homozygotes.

Submission:

Labcorp Genetics (formerly Invitae), Labcorp
Classification: Uncertain significance for X-linked lymphoproliferative disease due to XIAP deficiency. Last evaluated: 2026-01-12. Review status: criteria provided, single submitter. Criteria: Invitae Variant Classification Sherloc (09022015). Collection method: clinical testing. Allele origin: germline.
Comment: This sequence change replaces asparagine, which is neutral and polar, with serine, which is neutral and polar, at codon 35 of the XIAP protein (p.Asn35Ser). This variant is present in population databases (rs769664549, gnomAD 0.008%). This variant has not been reported in the literature in individuals affected with XIAP-related conditions. ClinVar contains an entry for this variant (Variation ID: 2723066). Invitae Evidence Modeling of protein sequence and biophysical properties (such as structural, functional, and spatial information, amino acid conservation, physicochemical variation, residue mobility, and thermodynamic stability) indicates that this missense variant is not expected to disrupt XIAP protein function with a negative predictive value of 80%. In summary, the available evidence is currently insufficient to determine the role of this variant in disease. Therefore, it has been classified as a Variant of Uncertain Significance.

NM_001167.4(XIAP):c.104A>G (p.Asn35Ser)

Gene: XIAP (X-linked inhibitor of apoptosis; plus strand). Cytogenetic location: Xq25.
Variant type: single nucleotide variant.
Coding change: c.104A>G on transcript NM_001167.4 (MANE Select); coding-DNA position 104, A replaced by G.
Protein change: p.Asn35Ser; replaces asparagine 35 with serine.
Molecular consequence: missense variant.
Genome position (GRCh38, 1-based): chrX:123,885,766, A>G. VCF-style: chrX-123885766-A-G. GRCh37 (hg19) VCF-style: chrX-123019616-A-G.
Other names: c.104A>G, p.Asn35Ser (NM_001204401.2, NM_001378590.1, NM_001378591.1 and 1 more transcripts); short protein forms N35S.
Identifiers: ClinVar variation 2723066 (VCV002723066.3), dbSNP rs769664549, ClinGen allele CA10507993.